The following is an entry in ClinVar:

ClinVar aggregate classification (germline): Benign/Likely benign. Review status: criteria provided, multiple submitters, no conflicts (2 of 4 stars). 3 submissions from 3 submitters: Benign (1); Likely benign (2). Last evaluated 2026-01-24.

Allele frequency attached by ClinVar (database versions not stated): gnomAD exomes 0.00017 and 0.00051; ExAC 0.00067; 1000 Genomes Project 0.00140; gnomAD 0.00202 and 0.00221; TOPMed 0.00230; 1000 Genomes Project 30x 0.00250; ESP Exome Variant Server 0.00315.

Submissions (3):

Labcorp Genetics (formerly Invitae), Labcorp
Classification: Benign. Last evaluated: 2026-01-24. Review status: criteria provided, single submitter. Criteria: Invitae Variant Classification Sherloc (09022015). Collection method: clinical testing. Allele origin: germline.

Mayo Clinic Laboratories, Mayo Clinic
Classification: Likely benign. Last evaluated: 2025-05-21. Review status: criteria provided, single submitter. Criteria: ACMG Guidelines, 2015. Collection method: clinical testing. Allele origin: germline. Observed: 1 variant allele.
Comment: BS1, BP4, BP7

Blueprint Genetics
Classification: Likely benign. Last evaluated: 2024-11-06. Review status: criteria provided, single submitter. Criteria: ACMG Guidelines, 2015. Collection method: clinical testing. Allele origin: germline.

NM_005720.4(ARPC1B):c.739C>T (p.Leu247=)

Gene: ARPC1B (actin related protein 2/3 complex subunit 1B; plus strand). Cytogenetic location: 7q22.1.
Variant type: single nucleotide variant.
Coding change: c.739C>T on transcript NM_005720.4 (MANE Select); coding-DNA position 739, C replaced by T.
Protein change: p.Leu247=; no amino-acid change (leucine 247 retained).
Molecular consequence: synonymous variant.
Genome position (GRCh38, 1-based): chr7:99,391,209, C>T. VCF-style: chr7-99391209-C-T. GRCh37 (hg19) VCF-style: chr7-98988832-C-T.
Other names: p.Leu247=.
Identifiers: ClinVar variation 1532235 (VCV001532235.10), dbSNP rs114065699, ClinGen allele CA4364121.